The following is an entry in ClinVar:

ClinVar aggregate classification (germline): Likely pathogenic. Review status: criteria provided, multiple submitters, no conflicts (2 of 4 stars). 4 submissions from 4 submitters: Likely pathogenic (3). 1 of the submissions does not count toward it. Last evaluated 2026-01-28.

Conditions:
Very long chain acyl-CoA dehydrogenase deficiency (ACADVLD). Also called: Very Long-Chain Acyl-Coenzyme A Dehydrogenase Deficiency; VLCAD Deficiency. Identifiers: Orphanet 26793, MedGen C3887523, MONDO:0008723, OMIM 201475.

Allele frequency attached by ClinVar (database versions not stated): gnomAD exomes below 0.00001.
gnomAD v4.1: 11 of 1,614,080 alleles (0.00068%); highest among the groups gnomAD compares: South Asian, 0.0011%; no homozygotes.

Submissions (4):

Myriad Genetics, Inc.
Classification: Likely pathogenic for Very long chain acyl-CoA dehydrogenase deficiency. Last evaluated: 2026-01-28. Review status: criteria provided, single submitter. Criteria: Myriad Autosomal Dominant, Autosomal Recessive and X-Linked Classification Criteria (2023). Collection method: clinical testing. Allele origin: unknown.
Comment: NM_000018.3(ACADVL):c.535G>T(G179W) is a missense variant classified as likely pathogenic in the context of very-long-chain acyl-CoA dehydrogenase deficiency. G179W has been observed in cases with relevant disease (PMID: 19327992, 38651394). Relevant functional assessments of this variant are not available in the literature. Internal structural analysis of the variant is supportive of pathogenicity. G179W has been observed in referenced population frequency databases. In summary, NM_000018.3(ACADVL):c.535G>T(G179W) is a missense variant that has internal structural support for pathogenicity and has been observed more frequently in cases with the relevant disease than in healthy populations. Please note: this variant was assessed in the context of healthy population screening.

Women's Health and Genetics/Laboratory Corporation of America, LabCorp
Classification: Likely pathogenic for Very long chain acyl-CoA dehydrogenase deficiency. Last evaluated: 2025-06-24. Review status: criteria provided, single submitter. Criteria: LabCorp Variant Classification Summary - May 2015. Collection method: clinical testing. Allele origin: germline.
Comment: Variant summary: ACADVL c.535G>T (p.Gly179Trp) results in a non-conservative amino acid change located in the Acyl-CoA dehydrogenase/oxidase, N-terminal domain (IPR013786) of the encoded protein sequence. Algorithms developed to predict the effect of missense changes on protein structure and function all suggest that this variant is likely to be disruptive. The variant allele was found at a frequency of 4e-06 in 251462 control chromosomes. c.535G>T has been observed in compound heteozygous individuals affected with Very Long Chain Acyl-CoA Dehydrogenase Deficiency (Laforet_2009, Al Bandari_2024). These data indicate that the variant may be associated with disease. A different variant affecting the same codon has been classified as likely pathogenic/pathogenic by our lab (c.535G>A, p.Gly179Arg), supporting the critical relevance of codon 179 to ACADVL protein function. To our knowledge, no experimental evidence demonstrating an impact on protein function has been reported. ClinVar contains an entry for this variant (Variation ID: 203573). Based on the evidence outlined above, the variant was classified as likely pathogenic.

Labcorp Genetics (formerly Invitae), Labcorp
Classification: Likely pathogenic for Very long chain acyl-CoA dehydrogenase deficiency. Last evaluated: 2024-07-24. Review status: criteria provided, single submitter. Criteria: Invitae Variant Classification Sherloc (09022015). Collection method: clinical testing. Allele origin: germline.
Comment: This sequence change replaces glycine, which is neutral and non-polar, with tryptophan, which is neutral and slightly polar, at codon 179 of the ACADVL protein (p.Gly179Trp). This variant is present in population databases (rs796051909, gnomAD 0.0009%). This missense change has been observed in individual(s) with very long-chain acyl-CoA dehydrogenase deficiency (PMID: 19327992). ClinVar contains an entry for this variant (Variation ID: 203573). Advanced modeling of protein sequence and biophysical properties (such as structural, functional, and spatial information, amino acid conservation, physicochemical variation, residue mobility, and thermodynamic stability) performed at Invitae indicates that this missense variant is expected to disrupt ACADVL protein function with a positive predictive value of 95%. In summary, the currently available evidence indicates that the variant is pathogenic, but additional data are needed to prove that conclusively. Therefore, this variant has been classified as Likely Pathogenic.

Counsyl
Classification: Uncertain significance for Very long chain acyl-CoA dehydrogenase deficiency. Last evaluated: 2017-12-04. Review status: no assertion criteria provided. Collection method: clinical testing. Allele origin: unknown. Not counted in ClinVar's aggregate classification.

Literature cited by the submitters: PubMed 19327992 (cited by 4 submitters); PubMed 38651394 (cited by Myriad Genetics, Inc. and Women's Health and Genetics/Laboratory Corporation of America, LabCorp).

NM_000018.4(ACADVL):c.535G>T (p.Gly179Trp)

Gene: ACADVL (acyl-CoA dehydrogenase very long chain; plus strand). Cytogenetic location: 17p13.1.
Variant type: single nucleotide variant.
Coding change: c.535G>T on transcript NM_000018.4 (MANE Select); coding-DNA position 535, G replaced by T.
Protein change: p.Gly179Trp; replaces glycine 179 with tryptophan.
Molecular consequence: missense variant.
Genome position (GRCh38, 1-based): chr17:7,221,595, G>T. VCF-style: chr17-7221595-G-T. GRCh37 (hg19) VCF-style: chr17-7124914-G-T.
Other names: c.469G>T, p.Gly157Trp (NM_001033859.3); c.604G>T, p.Gly202Trp (NM_001270447.2); c.307G>T, p.Gly103Trp (NM_001270448.2); short protein forms G179W, G157W, G103W, G202W.
Identifiers: ClinVar variation 203573 (VCV000203573.12), dbSNP rs796051909, ClinGen allele CA312253.